The following is an entry in ClinVar:

NM_014215.3(INSRR):c.534C>T (p.Asp178=)

Genes: INSRR (insulin receptor related receptor; minus strand), NTRK1 (neurotrophic receptor tyrosine kinase 1; plus strand). Cytogenetic location: 1q23.1.
Variant type: single nucleotide variant.
Coding change: c.534C>T on transcript NM_014215.3 (MANE Select); coding-DNA position 534, C replaced by T.
Protein change: p.Asp178=; no amino-acid change (aspartic acid 178 retained).
Molecular consequence: synonymous variant. On other transcripts: intron variant (1).
Genome position (GRCh38, 1-based): chr1:156,853,855, G>A on the plus strand (C>T on the coding strand, the complement: INSRR is on the minus strand). VCF-style: chr1-156853855-G-A. GRCh37 (hg19) VCF-style: chr1-156823647-G-A.
Other names: c.123-10499G>A (NM_001007792.1).
Identifiers: ClinVar variation 2639466 (VCV002639466.22), dbSNP rs201403715, ClinGen allele CA1168673.

ClinVar aggregate classification (germline): Likely benign (1 of 4 stars; one submission).

Allele frequency attached by ClinVar (database versions not stated): ESP Exome Variant Server 0.00015; 1000 Genomes Project 30x 0.00016; gnomAD exomes 0.00023; gnomAD 0.00024; TOPMed 0.00037; 1000 Genomes Project 0.00020; ExAC 0.00032.
gnomAD v4.1: 397 of 1,614,024 alleles (0.025%); highest among the groups gnomAD compares: Middle Eastern, 0.18%; 1 homozygote.

Submission:

CeGaT Center for Human Genetics Tuebingen
Classification: Likely benign. Last evaluated: 2022-07-01. Review status: criteria provided, single submitter. Criteria: CeGaT Center For Human Genetics Tuebingen Variant Classification Criteria Version 2. Collection method: clinical testing. Allele origin: germline. Affected: yes. Observed: 1 variant allele.
Comment: INSRR: BP4, BP7